The following is an entry in ClinVar:

ClinVar aggregate classification (germline): Conflicting classifications of pathogenicity. Review status: criteria provided, conflicting classifications (1 of 4 stars). 6 submissions from 6 submitters: Uncertain significance (5); Likely benign (1). Last evaluated 2025-11-15.

Conditions:
Loeys-Dietz syndrome 2 (LDS2). Also called: Marfan Syndrome type 2; Marfan like connective tissue disorder; MFS 2; TGFBR2-Related Loeys-Dietz Syndrome; AORTIC ANEURYSM, FAMILIAL THORACIC 3; MARFAN SYNDROME, TYPE II. Identifiers: Orphanet 284973, Orphanet 558, MedGen C2674574, MONDO:0012427, OMIM 610168.
Familial thoracic aortic aneurysm and aortic dissection (TAAD). Also called: Thoracic aortic aneurysms and dissections. Identifiers: Orphanet 91387, MedGen C4707243, MONDO:0019625.

Allele frequency attached by ClinVar (database versions not stated): gnomAD exomes below 0.00001 and 0.00001; ExAC 0.00002; gnomAD 0.00005; TOPMed 0.00006.
gnomAD v4.1: 11 of 1,595,288 alleles (0.00069%); highest among the groups gnomAD compares: African/African-American, 0.015%; no homozygotes.

Submissions (6):

Ambry Genetics
Classification: Uncertain significance for Familial thoracic aortic aneurysm and aortic dissection. Last evaluated: 2025-11-15. Review status: criteria provided, single submitter. Criteria: Ambry Variant Classification Scheme 2023. Collection method: clinical testing. Allele origin: germline.
Comment: The p.S31A variant (also known as c.91T>G), located in coding exon 1 of the TGFBR2 gene, results from a T to G substitution at nucleotide position 91. The serine at codon 31 is replaced by alanine, an amino acid with similar properties. This amino acid position is well conserved in available vertebrate species. In addition, this alteration is predicted to be tolerated by in silico analysis. Since supporting evidence is limited at this time, the clinical significance of this alteration remains unclear.

Color Diagnostics, LLC DBA Color Health
Classification: Likely benign for Familial thoracic aortic aneurysm and aortic dissection. Last evaluated: 2025-08-08. Review status: criteria provided, single submitter. Criteria: ACMG Guidelines, 2015. Collection method: clinical testing. Allele origin: germline.

All of Us Research Program, National Institutes of Health
Classification: Uncertain significance for Loeys-Dietz syndrome 2. Last evaluated: 2024-09-23. Review status: criteria provided, single submitter. Criteria: ACMG Guidelines, 2015. Collection method: clinical testing. Allele origin: germline. Inheritance: Autosomal dominant inheritance. Observed: 3 variant alleles, 3 heterozygotes.
Comment: This missense variant replaces serine with alanine at codon 31 of the TGFBR2 protein. Computational prediction suggests that this variant may not impact protein structure and function (internally defined REVEL score threshold <= 0.5, PMID: 27666373). To our knowledge, functional studies have not been reported for this variant. This variant has not been reported in individuals affected with TGFBR2-related disorders in the literature. This variant has been identified in 5/240088 chromosomes in the general population by the Genome Aggregation Database (gnomAD). The available evidence is insufficient to determine the role of this variant in disease conclusively. Therefore, this variant is classified as a Variant of Uncertain Significance.

This study involves interpretation of variants in research participants for the purpose of population health screening. Participant phenotype was not available at the time of variant classification. Additional details can be found in publication PMID: 35346344, PMCID: PMC8962531

Labcorp Genetics (formerly Invitae), Labcorp
Classification: Uncertain significance for Familial thoracic aortic aneurysm and aortic dissection. Last evaluated: 2024-01-20. Review status: criteria provided, single submitter. Criteria: Invitae Variant Classification Sherloc (09022015). Collection method: clinical testing. Allele origin: germline.
Comment: This sequence change replaces serine, which is neutral and polar, with alanine, which is neutral and non-polar, at codon 31 of the TGFBR2 protein (p.Ser31Ala). This variant is present in population databases (rs761400349, gnomAD 0.01%). This variant has not been reported in the literature in individuals affected with TGFBR2-related conditions. ClinVar contains an entry for this variant (Variation ID: 1444366). Advanced modeling of protein sequence and biophysical properties (such as structural, functional, and spatial information, amino acid conservation, physicochemical variation, residue mobility, and thermodynamic stability) performed at Invitae indicates that this missense variant is not expected to disrupt TGFBR2 protein function with a negative predictive value of 95%. In summary, the available evidence is currently insufficient to determine the role of this variant in disease. Therefore, it has been classified as a Variant of Uncertain Significance.

GeneDx
Classification: Uncertain significance. Last evaluated: 2023-05-22. Review status: criteria provided, single submitter. Criteria: GeneDx Variant Classification Process June 2021. Collection method: clinical testing. Allele origin: germline. Affected: yes.
Comment: Has not been previously published as pathogenic or benign to our knowledge; Not observed at significant frequency in large population cohorts (gnomAD); In silico analysis supports that this missense variant does not alter protein structure/function

Breakthrough Genomics
Classification: Uncertain significance. Review status: criteria provided, single submitter. Criteria: ACMG Guidelines, 2015. Collection method: not provided. Allele origin: germline. Inheritance: Autosomal dominant inheritance. Affected: yes.

NM_003242.6(TGFBR2):c.91T>G (p.Ser31Ala)

Gene: TGFBR2 (transforming growth factor beta receptor 2; plus strand). Cytogenetic location: 3p24.1.
Variant type: single nucleotide variant.
Coding change: c.91T>G on transcript NM_003242.6 (MANE Select); coding-DNA position 91, T replaced by G.
Protein change: p.Ser31Ala; replaces serine 31 with alanine.
Molecular consequence: missense variant.
Genome position (GRCh38, 1-based): chr3:30,606,974, T>G. VCF-style: chr3-30606974-T-G. GRCh37 (hg19) VCF-style: chr3-30648466-T-G.
Other names: c.91T>G, p.Ser31Ala (NM_001024847.3, NM_001407126.1, NM_001407127.1 and 4 more transcripts); c.-193T>G (NM_001407133.1); c.-71T>G (NM_001407134.1); c.-118T>G (NM_001407135.1); c.-203T>G (NM_001407136.1); short protein forms S31A.
Identifiers: ClinVar variation 1444366 (VCV001444366.15), dbSNP rs761400349, ClinGen allele CA050162.